The following is an entry in ClinVar:

NM_000295.5(SERPINA1):c.1178C>G (p.Pro393Arg)

Gene: SERPINA1 (serpin family A member 1; minus strand). Cytogenetic location: 14q32.13.
Variant type: single nucleotide variant.
Coding change: c.1178C>G on transcript NM_000295.5 (MANE Select); coding-DNA position 1178, C replaced by G.
Protein change: p.Pro393Arg; replaces proline 393 with arginine.
Molecular consequence: missense variant.
Genome position (GRCh38, 1-based): chr14:94,378,528, G>C on the plus strand (C>G on the coding strand, the complement: SERPINA1 is on the minus strand). VCF-style: chr14-94378528-G-C. GRCh37 (hg19) VCF-style: chr14-94844865-G-C.
Other names: c.1178C>G, p.Pro393Arg (NM_001002235.3, NM_001002236.3, NM_001127700.2 and 7 more transcripts); short protein forms P393R.
Identifiers: ClinVar variation 1066793 (VCV001066793.13), dbSNP rs199422209, ClinGen allele CA265860619.

ClinVar aggregate classification (germline): Pathogenic/Likely pathogenic. Review status: criteria provided, multiple submitters, no conflicts (2 of 4 stars). 4 submissions from 4 submitters: Pathogenic (1); Likely pathogenic (3). Last evaluated 2024-10-16.

Conditions:
Alpha-1-antitrypsin deficiency (A1ATD). Also called: AAT deficiency; A1AT deficiency; Alpha1-Antitrypsin Deficiency. Identifiers: Orphanet 60, MedGen C0221757, MONDO:0013282, OMIM 613490.

gnomAD v4.1: 40 of 1,614,090 alleles (0.0025%); highest among the groups gnomAD compares: Middle Eastern, 0.016%; no homozygotes.

Submissions (4):

Women's Health and Genetics/Laboratory Corporation of America, LabCorp
Classification: Likely pathogenic for Alpha-1-antitrypsin deficiency. Last evaluated: 2024-10-16. Review status: criteria provided, single submitter. Criteria: LabCorp Variant Classification Summary - May 2015. Collection method: clinical testing. Allele origin: germline.
Comment: Variant summary: SERPINA1 c.1178C>G (p.Pro393Arg), also referred to as Pro369Arg and W decatur, results in a non-conservative amino acid change located in the Serpin domain (IPR023796) of the encoded protein sequence. Five of five in-silico tools predict a damaging effect of the variant on protein function. The variant allele was found at a frequency of 1.2e-05 in 251476 control chromosomes. c.1178C>G has been reported in the literature in individuals affected with Alpha-1-Antitrypsin Deficiency (Mattman_2020, Wiesemann_2023). To our knowledge, no experimental evidence demonstrating an impact on protein function has been reported. However, different variants affecting the same codon have been classified as pathogenic (c.1178C>T, p.Pro393Leu); c.1177C>T, p.Pro393Ser), supporting the critical relevance of codon 393 to SERPINA1 protein function. The following publications have been ascertained in the context of this evaluation (PMID: 32387440, 36367950). ClinVar contains an entry for this variant (Variation ID: 1066793). Based on the evidence outlined above, the variant was classified as likely pathogenic.

Labcorp Genetics (formerly Invitae), Labcorp
Classification: Likely pathogenic for Alpha-1-antitrypsin deficiency. Last evaluated: 2024-06-30. Review status: criteria provided, single submitter. Criteria: Invitae Variant Classification Sherloc (09022015). Collection method: clinical testing. Allele origin: germline.
Comment: This sequence change replaces proline, which is neutral and non-polar, with arginine, which is basic and polar, at codon 393 of the SERPINA1 protein (p.Pro393Arg). This variant is present in population databases (no rsID available, gnomAD 0.003%). This missense change has been observed in individual(s) with personal or family history of SERPINA1-related conditions (PMID: 36367950). This variant is also known as W decatur, P369R. ClinVar contains an entry for this variant (Variation ID: 1066793). Advanced modeling of protein sequence and biophysical properties (such as structural, functional, and spatial information, amino acid conservation, physicochemical variation, residue mobility, and thermodynamic stability) performed at Invitae indicates that this missense variant is expected to disrupt SERPINA1 protein function with a positive predictive value of 80%. This variant disrupts the p.Pro393 amino acid residue in SERPINA1. Other variant(s) that disrupt this residue have been determined to be pathogenic (PMID: 10234508, 18024524, 27296815). This suggests that this residue is clinically significant, and that variants that disrupt this residue are likely to be disease-causing. In summary, the currently available evidence indicates that the variant is pathogenic, but additional data are needed to prove that conclusively. Therefore, this variant has been classified as Likely Pathogenic.

Laboratory for Molecular Medicine, Mass General Brigham Personalized Medicine
Classification: Pathogenic for Alpha-1-antitrypsin deficiency. Last evaluated: 2022-06-30. Review status: criteria provided, single submitter. Criteria: ACMG Guidelines, 2015. Collection method: clinical testing. Allele origin: germline.
Comment: The p.Pro393Arg variant in SERPINA1 has not been reported in individuals with SERPINA1-related phenotypes including alpha-1 antitrypsin deficiency and was absent from large population studies. Computational prediction tools and conservation analyses suggest that this variant may impact the protein, though this information is not predictive enough to determine pathogenicity. Two additional variants involving this codon (p.Pro393Leu, p.Pro393Ser) have been identified in individuals with SERPINA1-related phenotypes, suggesting that this codon is intolerant to variation. In summary, although additional studies are required to fully establish its clinical significance, the p.Pro393Arg variant likely pathogenic for autosomal recessive alpha-1 antitrypsin deficiency. ACMG/AMP Criteria applied: PM5_S, PP3, PM2_P.

Genetics and Molecular Pathology, SA Pathology
Classification: Likely pathogenic for Alpha-1-antitrypsin deficiency. Last evaluated: 2022-04-05. Review status: criteria provided, single submitter. Criteria: ACMG Guidelines, 2015. Collection method: clinical testing. Allele origin: germline. Inheritance: Autosomal recessive inheritance. Affected: yes.
Comment: The SERPINA1 c.1178C>G variant is classified as LIKELY PATHOGENIC (PS4, PM5, PP3) The SERPINA1 c.1178C>G variant is a single nucleotide change in exon 5/5 of the SERPINA1 gene, which is predicted to change the amino acid proline at position 393 in the protein to arginine. The variant has been reported in a patient with Alpha-1-antitrypsin deficiency (PS4) and similar missense variants affecting the same residue have also been reported as pathogenic (PMID:27296815, 18024524, 10234508, 27296815), suggesting that this residue is clinically significant (PM5). Computational predictions support a deleterious effect on the gene or gene product (PP3). The variant has been reported in dbSNP (rs199422209) and has been reported as likely pathogenic by other diagnostic laboratories (ClinVar Variation ID: 1066793). It has not been reported in HGMD.

Literature cited by the submitters: PubMed 32387440 (cited by Women's Health and Genetics/Laboratory Corporation of America, LabCorp); PubMed 36367950 (cited by Women's Health and Genetics/Laboratory Corporation of America, LabCorp and Labcorp Genetics (formerly Invitae), Labcorp); PubMed 10234508 (cited by Labcorp Genetics (formerly Invitae), Labcorp and Genetics and Molecular Pathology, SA Pathology); PubMed 18024524 (cited by Labcorp Genetics (formerly Invitae), Labcorp and Genetics and Molecular Pathology, SA Pathology); PubMed 27296815 (cited by Labcorp Genetics (formerly Invitae), Labcorp and Genetics and Molecular Pathology, SA Pathology).